The following is an entry in ClinVar:

ClinVar aggregate classification (germline): Likely benign. Review status: criteria provided, multiple submitters, no conflicts (2 of 4 stars). 3 submissions from 3 submitters: Likely benign (2). 1 of the submissions does not count toward it. Last evaluated 2025-10-01.

Conditions:
Early-infantile DEE. Also called: Early infantile epileptic encephalopathy; Early infantile epileptic encephalopathy with suppression bursts; Ohtahara syndrome. Identifiers: Orphanet 1934, MedGen C0393706, MONDO:0800491.
SLC25A22-related disorder. Also called: SLC25A22-related condition.

Allele frequency attached by ClinVar (database versions not stated): ExAC 0.00003; gnomAD exomes 0.00007 and 0.00004; TOPMed 0.00004; gnomAD 0.00004.
gnomAD v4.1: 107 of 1,613,138 alleles (0.0066%); highest among the groups gnomAD compares: Non-Finnish European, 0.0086%; no homozygotes.

Submissions (3):

Labcorp Genetics (formerly Invitae), Labcorp
Classification: Likely benign for Early-infantile DEE. Last evaluated: 2025-10-01. Review status: criteria provided, single submitter. Criteria: Invitae Variant Classification Sherloc (09022015). Collection method: clinical testing. Allele origin: germline.

CeGaT Center for Human Genetics Tuebingen
Classification: Likely benign. Last evaluated: 2025-08-01. Review status: criteria provided, single submitter. Criteria: CeGaT Center For Human Genetics Tuebingen Variant Classification Criteria Version 2. Collection method: clinical testing. Allele origin: germline. Affected: yes. Observed: 1 variant allele.
Comment: SLC25A22: BP4, BP7

PreventionGenetics, part of Exact Sciences
Classification: Likely benign for SLC25A22-related condition. Last evaluated: 2020-01-08. Review status: no assertion criteria provided. Collection method: clinical testing. Allele origin: germline. Not counted in ClinVar's aggregate classification.
Comment: This variant is classified as likely benign based on ACMG/AMP sequence variant interpretation guidelines (Richards et al. 2015 PMID: 25741868, with internal and published modifications).

NM_001191061.2(SLC25A22):c.702G>A (p.Val234=)

Gene: SLC25A22 (solute carrier family 25 member 22; minus strand). Cytogenetic location: 11p15.5.
Variant type: single nucleotide variant.
Coding change: c.702G>A on transcript NM_001191061.2 (MANE Select); coding-DNA position 702, G replaced by A.
Protein change: p.Val234=; no amino-acid change (valine 234 retained).
Molecular consequence: synonymous variant.
Genome position (GRCh38, 1-based): chr11:792,344, C>T on the plus strand (G>A on the coding strand, the complement: SLC25A22 is on the minus strand). VCF-style: chr11-792344-C-T. GRCh37 (hg19) VCF-style: chr11-792344-C-T.
Other names: c.702G>A, p.Val234= (NM_001191060.2, NM_024698.6); c.702G>A (NM_001191060.1).
Identifiers: ClinVar variation 654694 (VCV000654694.17), dbSNP rs750034215, ClinGen allele CA5789095.
Genomic context (GRCh38, chr11:792,344, plus strand): 5'-GCGCCATCCCATGCACTGACCATCACAGGGGTTGACGGCCACAGCGGCGGCACTCCCAGC[C>T]ACACAGCCGGCCAGGAAGGACACGTAGAAAGGCGACTTCTCCTCGGACGCCGGGCGGCCC-3'
Protein context (NP_001177990.1, residues 224-244): PFYVSFLAGC[Val234=]AGSAAAVAVN